The following is an entry in ClinVar:

ClinVar aggregate classification (germline): Uncertain significance (1 of 4 stars; one submission).

Conditions:
Sotos syndrome (SOTOS). Also called: CHROMOSOME 5q35 DELETION SYNDROME; SOTOS SYNDROME 1; CEREBRAL GIGANTISM; Sotos' syndrome; Distinctive facial appearance, overgrowth in childhood, and learning disabilities or delayed development. Identifiers: Orphanet 821, MedGen C0175695, MONDO:0019349, OMIM 117550.

Submission:

Laboratorio de Genetica e Diagnostico Molecular, Hospital Israelita Albert Einstein
Classification: Uncertain significance for Sotos syndrome. Last evaluated: 2024-03-15. Review status: criteria provided, single submitter. Criteria: ACMG Guidelines, 2015. Collection method: clinical testing. Allele origin: germline. Affected: yes.
Comment: ACMG classification criteria: PM2 supporting, PP2 supporting, BP4 supporting

NM_022455.5(NSD1):c.7157T>C (p.Leu2386Pro)

Gene: NSD1 (nuclear receptor binding SET domain protein 1; plus strand). Cytogenetic location: 5q35.3.
Variant type: single nucleotide variant.
Coding change: c.7157T>C on transcript NM_022455.5 (MANE Select); coding-DNA position 7157, T replaced by C.
Protein change: p.Leu2386Pro; replaces leucine 2386 with proline.
Molecular consequence: missense variant.
Genome position (GRCh38, 1-based): chr5:177,294,525, T>C. VCF-style: chr5-177294525-T-C. GRCh37 (hg19) VCF-style: chr5-176721526-T-C.
Other names: c.6284T>C, p.Leu2095Pro (NM_001365684.2, NM_001409308.1, NM_172349.5); c.7157T>C, p.Leu2386Pro (NM_001409301.1, NM_001409302.1, NM_001409303.1); c.6737T>C, p.Leu2246Pro (NM_001409304.1); c.6404T>C, p.Leu2135Pro (NM_001409305.1); c.6395T>C, p.Leu2132Pro (NM_001409306.1, NM_001409307.1); c.6035T>C, p.Leu2012Pro (NM_001409309.1); short protein forms L2012P, L2095P, L2132P, L2135P, L2246P, L2386P.
Identifiers: ClinVar variation 4056683 (VCV004056683.1).